The following is an entry in ClinVar:

NM_004385.5(VCAN):c.2255T>G (p.Leu752Trp)

Gene: VCAN (versican; plus strand). Cytogenetic location: 5q14.3.
Variant type: single nucleotide variant.
Coding change: c.2255T>G on transcript NM_004385.5 (MANE Select); coding-DNA position 2255, T replaced by G.
Protein change: p.Leu752Trp; replaces leucine 752 with tryptophan.
Molecular consequence: missense variant. On other transcripts: intron variant (2).
Genome position (GRCh38, 1-based): chr5:83,520,561, T>G. VCF-style: chr5-83520561-T-G. GRCh37 (hg19) VCF-style: chr5-82816380-T-G.
Other names: c.2255T>G, p.Leu752Trp (NM_001164098.2); c.1042+8165T>G (NM_001164097.2, NM_001126336.3); short protein forms L752W.
Identifiers: ClinVar variation 1516295 (VCV001516295.8), dbSNP rs1226863763, ClinGen allele CA360303533.

ClinVar aggregate classification (germline): Uncertain significance (1 of 4 stars; one submission).

Allele frequency attached by ClinVar (database versions not stated): gnomAD 0.00001; TOPMed 0.00002.
gnomAD v4.1: 5 of 1,613,880 alleles (0.00031%); highest among the groups gnomAD compares: African/African-American, 0.0067%; no homozygotes.

Submission:

Labcorp Genetics (formerly Invitae), Labcorp
Classification: Uncertain significance. Last evaluated: 2021-03-12. Review status: criteria provided, single submitter. Criteria: Invitae Variant Classification Sherloc (09022015). Collection method: clinical testing. Allele origin: germline.
Comment: In summary, the available evidence is currently insufficient to determine the role of this variant in disease. Therefore, it has been classified as a Variant of Uncertain Significance. Algorithms developed to predict the effect of missense changes on protein structure and function output the following: SIFT: "Deleterious"; PolyPhen-2: "Benign"; Align-GVGD: "Class C0". The tryptophan amino acid residue is found in multiple mammalian species, suggesting that this missense change does not adversely affect protein function. These predictions have not been confirmed by published functional studies and their clinical significance is uncertain. This variant has not been reported in the literature in individuals with VCAN-related conditions. This variant is not present in population databases (ExAC no frequency). This sequence change replaces leucine with tryptophan at codon 752 of the VCAN protein (p.Leu752Trp). The leucine residue is highly conserved and there is a small physicochemical difference between leucine and tryptophan.